The following is an entry in ClinVar:

NM_004260.4(RECQL4):c.1132-2A>G

Gene: RECQL4 (RecQ like helicase 4; minus strand). Cytogenetic location: 8q24.3.
Variant type: single nucleotide variant.
Coding change: c.1132-2A>G on transcript NM_004260.4 (MANE Select); the canonical splice acceptor site of the intron before coding-DNA position 1132, A replaced by G.
Molecular consequence: splice acceptor variant. On other transcripts: intron variant (1).
Genome position (GRCh38, 1-based): chr8:144,515,892, T>C on the plus strand (A>G on the coding strand, the complement: RECQL4 is on the minus strand). VCF-style: chr8-144515892-T-C. GRCh37 (hg19) VCF-style: chr8-145741276-T-C.
Other names: c.1003-2A>G (NM_001413025.1); c.781-2A>G (NM_001413029.1); c.-2-2A>G (NM_001413032.1, NM_001413027.1, NM_001413031.1 and 2 more transcripts); c.61-2A>G (NM_001413035.1, NM_001413040.1, NM_001413021.1 and 8 more transcripts); c.1036-2A>G (NM_001413017.1, NM_001413020.1); c.1132-2A>G (NM_001413039.1, NM_001413033.1, NM_001413018.1 and 2 more transcripts); c.-210+96A>G (NM_001413043.1).
Identifiers: ClinVar variation 2907384 (VCV002907384.3), dbSNP rs1564804563, ClinGen allele CA372687888.
Genomic context (GRCh38, chr8:144,515,892, plus strand): 5'-ACTGTGGCACCACCACCCCCAAAACACTCCCCTTTCTTCCGCCACTTCTGCTTCCATGCC[T>C]GGGGGGTGCCCACATAGGAGGGTCACTGGGCGGGAAATACGGGAGGGCTGAGGGGAGGGA-3'

ClinVar aggregate classification (germline): Likely pathogenic (1 of 4 stars; one submission).

Conditions:
Baller-Gerold syndrome (BGS). Also called: CRANIOSYNOSTOSIS WITH RADIAL DEFECTS. Identifiers: Orphanet 1225, MedGen C0265308, MONDO:0009039, OMIM 218600.

Allele frequency attached by ClinVar (database versions not stated): gnomAD exomes below 0.00001.

Submission:

Labcorp Genetics (formerly Invitae), Labcorp
Classification: Likely pathogenic for Baller-Gerold syndrome. Last evaluated: 2023-09-12. Review status: criteria provided, single submitter. Criteria: Invitae Variant Classification Sherloc (09022015). Collection method: clinical testing. Allele origin: germline.
Comment: In summary, the currently available evidence indicates that the variant is pathogenic, but additional data are needed to prove that conclusively. Therefore, this variant has been classified as Likely Pathogenic. Algorithms developed to predict the effect of sequence changes on RNA splicing suggest that this variant may disrupt the consensus splice site. Disruption of this splice site has been observed in individual(s) with clinical features of RECQL4-related conditions (PMID: 31406625). This variant is present in population databases (no rsID available, gnomAD 0.003%). This sequence change affects an acceptor splice site in intron 5 of the RECQL4 gene. It is expected to disrupt RNA splicing. Variants that disrupt the donor or acceptor splice site typically lead to a loss of protein function (PMID: 16199547), and loss-of-function variants in RECQL4 are known to be pathogenic (PMID: 12734318, 12952869).

Literature cited by the submitters: PubMed 31406625; PubMed 16199547; PubMed 12734318; PubMed 12952869.